The following is an entry in ClinVar:

ClinVar aggregate classification (germline): Uncertain significance. Review status: criteria provided, multiple submitters, no conflicts (2 of 4 stars). 4 submissions from 4 submitters: Uncertain significance (4). Last evaluated 2024-09-08.

Conditions:
Arrhythmogenic right ventricular dysplasia 5. Also called: Arrhythmogenic Right Ventricular Dysplasia/Cardiomyopathy 5; ARRHYTHMOGENIC RIGHT VENTRICULAR DYSPLASIA, FAMILIAL, 5. Identifiers: MedGen C1858379, MONDO:0011459, OMIM 604400.
Cardiomyopathy (CMYO). Also called: Cardiomyopathies. Identifiers: Orphanet 167848, MedGen C0878544, MONDO:0004994, HP:0001638. Inheritance: Various modes of inheritance.
Cardiovascular phenotype. Identifiers: MedGen CN230736.

Allele frequency attached by ClinVar (database versions not stated): gnomAD exomes below 0.00001 and 0.00001; gnomAD 0.00001; TOPMed 0.00001; ExAC 0.00002.
gnomAD v4.1: 11 of 1,612,340 alleles (0.00068%); highest among the groups gnomAD compares: African/African-American, 0.0027%; no homozygotes.

Submissions (4):

Ambry Genetics
Classification: Uncertain significance for Cardiovascular phenotype. Last evaluated: 2024-09-08. Review status: criteria provided, single submitter. Criteria: Ambry Variant Classification Scheme 2023. Collection method: clinical testing. Allele origin: germline.

Color Diagnostics, LLC DBA Color Health
Classification: Uncertain significance for Cardiomyopathy. Last evaluated: 2024-08-05. Review status: criteria provided, single submitter. Criteria: ACMG Guidelines, 2015. Collection method: clinical testing. Allele origin: germline.
Comment: This missense variant replaces isoleucine with threonine at codon 92 of the TMEM43 protein. Computational prediction suggests that this variant may not impact protein structure and function (internally defined REVEL score threshold <= 0.5, PMID: 27666373). To our knowledge, functional studies have not been reported for this variant. This variant has not been reported in individuals affected with TMEM43-related disorders in the literature. This variant has been identified in 1/249770 chromosomes in the general population by the Genome Aggregation Database (gnomAD). The available evidence is insufficient to determine the role of this variant in disease conclusively. Therefore, this variant is classified as a Variant of Uncertain Significance.

Labcorp Genetics (formerly Invitae), Labcorp
Classification: Uncertain significance for Arrhythmogenic right ventricular dysplasia 5. Last evaluated: 2024-01-22. Review status: criteria provided, single submitter. Criteria: Invitae Variant Classification Sherloc (09022015). Collection method: clinical testing. Allele origin: germline.
Comment: This sequence change replaces isoleucine, which is neutral and non-polar, with threonine, which is neutral and polar, at codon 92 of the TMEM43 protein (p.Ile92Thr). This variant is present in population databases (rs555913548, gnomAD 0.0009%). This variant has not been reported in the literature in individuals affected with TMEM43-related conditions. ClinVar contains an entry for this variant (Variation ID: 343503). Advanced modeling of protein sequence and biophysical properties (such as structural, functional, and spatial information, amino acid conservation, physicochemical variation, residue mobility, and thermodynamic stability) performed at Invitae indicates that this missense variant is not expected to disrupt TMEM43 protein function with a negative predictive value of 80%. In summary, the available evidence is currently insufficient to determine the role of this variant in disease. Therefore, it has been classified as a Variant of Uncertain Significance.

All of Us Research Program, National Institutes of Health
Classification: Uncertain significance for Arrhythmogenic right ventricular dysplasia 5. Last evaluated: 2023-12-01. Review status: criteria provided, single submitter. Criteria: ACMG Guidelines, 2015. Collection method: clinical testing. Allele origin: germline. Inheritance: Autosomal dominant inheritance. Observed: 5 variant alleles, 5 heterozygotes.
Comment: This missense variant replaces isoleucine with threonine at codon 92 of the TMEM43 protein. Computational prediction suggests that this variant may not impact protein structure and function (internally defined REVEL score threshold <= 0.5, PMID: 27666373). To our knowledge, functional studies have not been reported for this variant. This variant has not been reported in individuals affected with TMEM43-related disorders in the literature. This variant has been identified in 1/249770 chromosomes in the general population by the Genome Aggregation Database (gnomAD). The available evidence is insufficient to determine the role of this variant in disease conclusively. Therefore, this variant is classified as a Variant of Uncertain Significance.

This study involves interpretation of variants in research participants for the purpose of population health screening. Participant phenotype was not available at the time of variant classification. Additional details can be found in publication PMID: 35346344, PMCID: PMC8962531

NM_024334.3(TMEM43):c.275T>C (p.Ile92Thr)

Gene: TMEM43 (transmembrane protein 43; plus strand). Cytogenetic location: 3p25.1.
Variant type: single nucleotide variant.
Coding change: c.275T>C on transcript NM_024334.3 (MANE Select); coding-DNA position 275, T replaced by C.
Protein change: p.Ile92Thr; replaces isoleucine 92 with threonine.
Molecular consequence: missense variant.
Genome position (GRCh38, 1-based): chr3:14,130,934, T>C. VCF-style: chr3-14130934-T-C. GRCh37 (hg19) VCF-style: chr3-14172434-T-C.
Other names: short protein forms I92T.
Identifiers: ClinVar variation 343503 (VCV000343503.15), dbSNP rs555913548, ClinGen allele CA052476.